The following is an entry in ClinVar:

NM_001110556.2(FLNA):c.19C>G (p.Arg7Gly)

Gene: FLNA (filamin A; minus strand). Cytogenetic location: Xq28.
Variant type: single nucleotide variant.
Coding change: c.19C>G on transcript NM_001110556.2 (MANE Select); coding-DNA position 19, C replaced by G.
Protein change: p.Arg7Gly; replaces arginine 7 with glycine.
Molecular consequence: missense variant.
Genome position (GRCh38, 1-based): chrX:154,371,227, G>C on the plus strand (C>G on the coding strand, the complement: FLNA is on the minus strand). VCF-style: chrX-154371227-G-C. GRCh37 (hg19) VCF-style: chrX-153599595-G-C.
Other names: c.19C>G, p.Arg7Gly (NM_001456.4); c.19C>G (NM_001456.3); short protein forms R7G.
Identifiers: ClinVar variation 1004242 (VCV001004242.10), dbSNP rs941318584, ClinGen allele CA415255893.

ClinVar aggregate classification (germline): Conflicting classifications of pathogenicity. Review status: criteria provided, conflicting classifications (1 of 4 stars). 2 submissions from 2 submitters: Uncertain significance (1); Likely benign (1). Last evaluated 2026-01-17.

Conditions:
Familial thoracic aortic aneurysm and aortic dissection (TAAD). Also called: Thoracic aortic aneurysms and dissections. Identifiers: Orphanet 91387, MedGen C4707243, MONDO:0019625.
Frontometaphyseal dysplasia (FMD1). Identifiers: Orphanet 1826, MedGen C0265293, MONDO:0015942.
Melnick-Needles syndrome (MNS). Also called: MELNICK-NEEDLES OSTEODYSPLASTY; OSTEODYSPLASTY OF MELNICK AND NEEDLES; Melnick-Needles Syndrome (FLNA-MNS). Identifiers: Orphanet 2484, MedGen C0025237, MONDO:0010650, OMIM 309350.
Oto-palato-digital syndrome, type II (OPD2). Also called: FACIOPALATOOSSEOUS SYNDROME; Otopalatodigital Syndrome, Type II; OPD II SYNDROME; Otopalatodigital Syndrome Type 2 (FLNA-OPD2). Identifiers: Orphanet 669, Orphanet 90652, MedGen C1844696, MONDO:0010571, OMIM 304120.
Heterotopia, periventricular, X-linked dominant (PVNH1). Also called: PERIVENTRICULAR NODULAR HETEROTOPIA 1; X-linked periventricular heterotopia; PERIVENTRICULAR NODULAR HETEROTOPIA 4; HETEROTOPIA, PERIVENTRICULAR, 1. Identifiers: Orphanet 2149, Orphanet 82004, MedGen C1848213, MONDO:0010233, OMIM 300049.

Allele frequency attached by ClinVar (database versions not stated): TOPMed 0.00002.
gnomAD v4.1: 22 of 1,200,196 alleles (0.0018%); highest among the groups gnomAD compares: Non-Finnish European, 0.0024%; no homozygotes.

Submissions (2):

Labcorp Genetics (formerly Invitae), Labcorp
Classification: Likely benign for Oto-palato-digital syndrome, type II; Heterotopia, periventricular, X-linked dominant; Frontometaphyseal dysplasia; Melnick-Needles syndrome. Last evaluated: 2026-01-17. Review status: criteria provided, single submitter. Criteria: Invitae Variant Classification Sherloc (09022015). Collection method: clinical testing. Allele origin: germline.

Ambry Genetics
Classification: Uncertain significance for Familial thoracic aortic aneurysm and aortic dissection. Last evaluated: 2024-02-02. Review status: criteria provided, single submitter. Criteria: Ambry Variant Classification Scheme 2023. Collection method: clinical testing. Allele origin: germline.
Comment: The p.R7G variant (also known as c.19C>G), located in coding exon 1 of the FLNA gene, results from a C to G substitution at nucleotide position 19. The arginine at codon 7 is replaced by glycine, an amino acid with dissimilar properties. Based on data from gnomAD, the G allele has an overall frequency of <0.01% (3/171906) total alleles studied, with 1 hemizygote(s) observed. The highest observed frequency was <0.01% (3/74203) of European (non-Finnish) alleles. This amino acid position is well conserved in available vertebrate species. In addition, this alteration is predicted to be tolerated by in silico analysis. Based on the available evidence, the clinical significance of this alteration remains unclear.